The following is an entry in ClinVar:

NM_006734.4(HIVEP2):c.6698G>A (p.Gly2233Glu)

Gene: HIVEP2 (HIVEP zinc finger 2; minus strand). Cytogenetic location: 6q24.2.
Variant type: single nucleotide variant.
Coding change: c.6698G>A on transcript NM_006734.4 (MANE Select); coding-DNA position 6698, G replaced by A.
Protein change: p.Gly2233Glu; replaces glycine 2233 with glutamic acid.
Molecular consequence: missense variant.
Genome position (GRCh38, 1-based): chr6:142,753,750, C>T on the plus strand (G>A on the coding strand, the complement: HIVEP2 is on the minus strand). VCF-style: chr6-142753750-C-T. GRCh37 (hg19) VCF-style: chr6-143074887-C-T.
Other names: short protein forms G2233E.
Identifiers: ClinVar variation 984854 (VCV000984854.5), dbSNP rs1774991184, ClinGen allele CA365941923.
Genomic context (GRCh38, chr6:142,753,750, plus strand): 5'-AATGTGGGTGAAGGATGTAAACTGGAAAGGGCTGGCGGCATGGAGTGAACCATCTGGATC[C>T]CACCAACGGGCACCATGGGGATAGGGGCTCGCACTTGTTGCTGAGAGTGGAGTGGAAGAT-3'
Protein context (NP_006725.3, residues 2223-2243): RAPIPMVPVG[Gly2233Glu]IQMVHSMPPA

ClinVar aggregate classification (germline): Uncertain significance (1 of 4 stars; one submission).

Conditions:
Intellectual developmental disorder, autosomal dominant 43. Also called: Intellectual disability, autosomal dominant 43. Identifiers: MedGen C4707429, MONDO:0014858, OMIM 616977.
Neurodevelopmental disorder. Identifiers: MedGen C1535926, MeSH D065886, MONDO:0700092.

Submission:

GeneDx
Classification: Uncertain significance. Last evaluated: 2023-02-21. Review status: criteria provided, single submitter. Criteria: GeneDx Variant Classification Process June 2021. Collection method: clinical testing. Allele origin: germline. Affected: yes.
Comment: Not observed at significant frequency in large population cohorts (gnomAD); In silico analysis supports that this missense variant has a deleterious effect on protein structure/function; Has not been previously published as pathogenic or benign to our knowledge